The following is an entry in ClinVar:

NM_001830.4(CLCN4):c.1319C>T (p.Thr440Met)

Gene: CLCN4 (Cl-/H+ antiporter 4; plus strand). Cytogenetic location: Xp22.2.
Variant type: single nucleotide variant.
Coding change: c.1319C>T on transcript NM_001830.4 (MANE Select); coding-DNA position 1319, C replaced by T.
Protein change: p.Thr440Met; replaces threonine 440 with methionine.
Molecular consequence: missense variant.
Genome position (GRCh38, 1-based): chrX:10,208,520, C>T. VCF-style: chrX-10208520-C-T. GRCh37 (hg19) VCF-style: chrX-10176560-C-T.
Other names: p.Thr440Met; c.1037C>T, p.Thr346Met (NM_001256944.2); short protein forms T346M, T440M.
Identifiers: ClinVar variation 838049 (VCV000838049.16), dbSNP rs376745468, ClinGen allele CA10347201.
Genomic context (GRCh38, chrX:10,208,520, plus strand): 5'-CCAACATGACTCGGCCTGTGGATGACATTCCAGACCGGCCGGCTGGTGTCGGTGTTTACA[C>T]GGCCATGTGGCAGCTGGCCCTGGCACTGATCTTCAAAATCGTCGTTACCATATTTACCTT-3'
Protein context (NP_001821.2, residues 430-450): PDRPAGVGVY[Thr440Met]AMWQLALALI

ClinVar aggregate classification (germline): Conflicting classifications of pathogenicity. Review status: criteria provided, conflicting classifications (1 of 4 stars). 5 submissions from 5 submitters: Uncertain significance (4); Likely benign (1). Last evaluated 2024-09-30.

Conditions:
Intellectual disability, X-linked 49 (MRXSRC). Also called: MENTAL RETARDATION, X-LINKED 15; MRX49; CLCN4-Related Neurodevelopmental Disorder; CLCN4-related X-linked intellectual disability syndrome; RAYNAUD-CLAES SYNDROME. Identifiers: Orphanet 485350, Orphanet 777, MedGen C0796221, MONDO:0010250, OMIM 300114.
Inborn genetic diseases. Identifiers: MedGen C0950123, MeSH D030342.

Allele frequency attached by ClinVar (database versions not stated): gnomAD exomes 0.00001; ExAC 0.00002; TOPMed 0.00002; gnomAD 0.00003 and 0.00004; ESP Exome Variant Server 0.00009.
gnomAD v4.1: 14 of 1,209,050 alleles (0.0012%); highest among the groups gnomAD compares: African/African-American, 0.0053%; no homozygotes.

Submissions (5):

Ambry Genetics
Classification: Uncertain significance for Inborn genetic diseases. Last evaluated: 2024-09-30. Review status: criteria provided, single submitter. Criteria: Ambry Variant Classification Scheme 2023. Collection method: clinical testing. Allele origin: germline.

ARUP Laboratories, Molecular Genetics and Genomics, ARUP Laboratories
Classification: Uncertain significance for Intellectual disability, X-linked 49. Last evaluated: 2024-04-08. Review status: criteria provided, single submitter. Criteria: ARUP Molecular Germline Variant Investigation Process 2024. Collection method: clinical testing. Allele origin: germline.

Mayo Clinic Laboratories, Mayo Clinic
Classification: Uncertain significance. Last evaluated: 2023-07-06. Review status: criteria provided, single submitter. Criteria: ACMG Guidelines, 2015. Collection method: clinical testing. Allele origin: germline. Observed: 1 variant allele.
Comment: BS2, PP2

Labcorp Genetics (formerly Invitae), Labcorp
Classification: Uncertain significance. Last evaluated: 2022-04-18. Review status: criteria provided, single submitter. Criteria: Invitae Variant Classification Sherloc (09022015). Collection method: clinical testing. Allele origin: germline.
Comment: ClinVar contains an entry for this variant (Variation ID: 838049). Algorithms developed to predict the effect of missense changes on protein structure and function are either unavailable or do not agree on the potential impact of this missense change (SIFT: "Deleterious"; PolyPhen-2: "Possibly Damaging"; Align-GVGD: "Class C0"). In summary, the available evidence is currently insufficient to determine the role of this variant in disease. Therefore, it has been classified as a Variant of Uncertain Significance. This sequence change replaces threonine, which is neutral and polar, with methionine, which is neutral and non-polar, at codon 440 of the CLCN4 protein (p.Thr440Met). The frequency data for this variant in the population databases is considered unreliable, as metrics indicate poor data quality at this position in the gnomAD database. This variant has not been reported in the literature in individuals affected with CLCN4-related conditions.

GeneDx
Classification: Likely benign. Last evaluated: 2018-12-06. Review status: criteria provided, single submitter. Criteria: GeneDx Variant Classification Process June 2021. Collection method: clinical testing. Allele origin: germline. Affected: yes.